The following is an entry in ClinVar:

ClinVar aggregate classification (germline): Uncertain significance. Review status: criteria provided, multiple submitters, no conflicts (2 of 4 stars). 2 submissions from 2 submitters: Uncertain significance (2). Last evaluated 2024-02-01.

Allele frequency attached by ClinVar (database versions not stated): gnomAD exomes below 0.00001.
gnomAD v4.1: 3 of 1,613,782 alleles (0.00019%); highest among the groups gnomAD compares: Non-Finnish European, 0.00025%; no homozygotes.

Submissions (2):

Ambry Genetics
Classification: Uncertain significance. Last evaluated: 2024-02-01. Review status: criteria provided, single submitter. Criteria: Ambry Variant Classification Scheme 2023. Collection method: clinical testing. Allele origin: germline.
Comment: The p.S138R variant (also known as c.414T>G), located in coding exon 5 of the FAM175A gene, results from a T to G substitution at nucleotide position 414. The serine at codon 138 is replaced by arginine, an amino acid with dissimilar properties. This amino acid position is conserved. In addition, the in silico prediction for this alteration is inconclusive. Since supporting evidence is limited at this time, the clinical significance of this alteration remains unclear.

Women's Health and Genetics/Laboratory Corporation of America, LabCorp
Classification: Uncertain significance. Last evaluated: 2019-12-09. Review status: criteria provided, single submitter. Criteria: LabCorp Variant Classification Summary - May 2015. Collection method: clinical testing. Allele origin: germline.
Comment: Variant summary: FAM175A c.414T>G (p.Ser138Arg) results in a non-conservative amino acid change located in the MPN Domain (IPR037518) of the encoded protein sequence. Four of five in-silico tools predict a damaging effect of the variant on protein function. The variant was absent in 251032 control chromosomes (gnomAD). The available data on variant occurrences in the general population are insufficient to allow any conclusion about variant significance. To our knowledge, no occurrence of c.414T>G in individuals affected with Hereditary Breast and Ovarian Cancer and no experimental evidence demonstrating its impact on protein function have been reported. No clinical diagnostic laboratories have submitted clinical-significance assessments for this variant to ClinVar after 2014. Based on the evidence outlined above, the variant was classified as uncertain significance.

NM_139076.3(ABRAXAS1):c.414T>G (p.Ser138Arg)

Gene: ABRAXAS1 (abraxas 1, BRCA1 A complex subunit; minus strand). Cytogenetic location: 4q21.23.
Variant type: single nucleotide variant.
Coding change: c.414T>G on transcript NM_139076.3 (MANE Select); coding-DNA position 414, T replaced by G.
Protein change: p.Ser138Arg; replaces serine 138 with arginine.
Molecular consequence: missense variant.
Genome position (GRCh38, 1-based): chr4:83,470,265, A>C on the plus strand (T>G on the coding strand, the complement: ABRAXAS1 is on the minus strand). VCF-style: chr4-83470265-A-C. GRCh37 (hg19) VCF-style: chr4-84391418-A-C.
Other names: c.87T>G, p.Ser29Arg (NM_001345962.2); short protein forms S138R, S29R.
Identifiers: ClinVar variation 928539 (VCV000928539.3), dbSNP rs1722530567, ClinGen allele CA357259794.